The following is an entry in ClinVar:

NM_000545.8(HNF1A):c.99G>A (p.Pro33=)

Gene: HNF1A (HNF1 homeobox A; plus strand). Cytogenetic location: 12q24.31.
Variant type: single nucleotide variant.
Coding change: c.99G>A on transcript NM_000545.8 (MANE Select); coding-DNA position 99, G replaced by A.
Protein change: p.Pro33=; no amino-acid change (proline 33 retained).
Molecular consequence: synonymous variant.
Genome position (GRCh38, 1-based): chr12:120,978,867, G>A. VCF-style: chr12-120978867-G-A. GRCh37 (hg19) VCF-style: chr12-121416670-G-A.
Other names: c.99G>A, p.Pro33= (NM_001306179.2).
Identifiers: ClinVar variation 695687 (VCV000695687.15), dbSNP rs538619966, ClinGen allele CA6831662.

ClinVar aggregate classification (germline): Conflicting classifications of pathogenicity. Review status: criteria provided, conflicting classifications (1 of 4 stars). 4 submissions from 4 submitters: Uncertain significance (1); Benign (1); Likely benign (2). Last evaluated 2025-12-08.

Conditions:
Maturity-onset diabetes of the young type 3. Also called: MODY type 3; MODY, type III. Identifiers: Orphanet 552, MedGen C1838100, MeSH C563933, MONDO:0010894, OMIM 600496. Disease mechanism: loss of function.
Maturity-onset diabetes of the young (MODY). Also called: Maturity onset diabetes mellitus in young. Identifiers: Orphanet 552, MedGen C0342276, MONDO:0018911, HP:0004904.

Allele frequency attached by ClinVar (database versions not stated): ExAC 0.00001; gnomAD exomes 0.00001; gnomAD 0.00005 and 0.00006; TOPMed 0.00015; 1000 Genomes Project 0.00020; 1000 Genomes Project 30x 0.00031.
gnomAD v4.1: 23 of 1,613,332 alleles (0.0014%); highest among the groups gnomAD compares: Admixed American, 0.022%; no homozygotes.

Submissions (4):

Labcorp Genetics (formerly Invitae), Labcorp
Classification: Likely benign. Last evaluated: 2025-12-08. Review status: criteria provided, single submitter. Criteria: Invitae Variant Classification Sherloc (09022015). Collection method: clinical testing. Allele origin: germline.

Ambry Genetics
Classification: Likely benign for Maturity-onset diabetes of the young. Last evaluated: 2022-10-09. Review status: criteria provided, single submitter. Criteria: Ambry Variant Classification Scheme 2023. Collection method: clinical testing. Allele origin: germline.

Illumina Laboratory Services, Illumina
Classification: Uncertain significance for Maturity-onset diabetes of the young type 3. Last evaluated: 2018-01-13. Review status: criteria provided, single submitter. Criteria: ICSL Variant Classification Criteria 13 December 2019. Collection method: clinical testing. Allele origin: germline.

Clinical Genomics, Uppaluri K&H Personalized Medicine Clinic
Classification: Benign for Maturity-onset diabetes of the young. Review status: criteria provided, single submitter. Criteria: K & H Uppaluri Personalized Medicine Clinic Variant Classification & Assertion Criteria_Updated V.1. Collection method: research. Allele origin: unknown. Inheritance: Autosomal dominant inheritance.
Comment: Mutations in HNF1A gene can predispose to MODY3. It is associated with both micro and macrovascular complications of diabetes, especially cardiovascular complications. Associated with glucosuria. May respond well to sulfonylureas. However, more evidence is required to confer the association of this particular variant rs538619966 with MODY3.

Literature cited by the submitters: PubMed 31517624 (cited by Clinical Genomics, Uppaluri K&H Personalized Medicine Clinic); PubMed 32395877 (cited by Clinical Genomics, Uppaluri K&H Personalized Medicine Clinic); PubMed 35328643 (cited by Clinical Genomics, Uppaluri K&H Personalized Medicine Clinic); PubMed 35673428 (cited by Clinical Genomics, Uppaluri K&H Personalized Medicine Clinic).